The following is an entry in ClinVar:

ClinVar aggregate classification (germline): Conflicting classifications of pathogenicity. Review status: criteria provided, conflicting classifications (1 of 4 stars). 8 submissions from 8 submitters: Uncertain significance (5); Likely benign (2). 1 of the submissions does not count toward it. Last evaluated 2025-12-30.

Conditions:
Classic or attenuated familial adenomatous polyposis. Identifiers: MedGen CN372698, MONDO:0021057.
Hereditary cancer-predisposing syndrome. Also called: Tumor predisposition; Hereditary neoplastic syndrome; Neoplastic Syndromes, Hereditary; Hereditary Cancer Syndrome. Identifiers: Orphanet 140162, MedGen C0027672, MeSH D009386, MONDO:0015356.
Familial adenomatous polyposis 1 (FAP1). Also called: FAMILIAL ADENOMATOUS POLYPOSIS 1, ATTENUATED; POLYPOSIS, ADENOMATOUS INTESTINAL. Identifiers: MedGen C2713442, MONDO:0021056, OMIM 175100. Disease mechanism: loss of function.
Carcinoma of colon (CRC). Also called: Colonic carcinoma; Colon carcinoma. Identifiers: MedGen C0699790, MONDO:0002032.

Allele frequency attached by ClinVar (database versions not stated): gnomAD 0.00003; gnomAD exomes 0.00002 and below 0.00001; TOPMed 0.00002.
gnomAD v4.1: 33 of 1,614,038 alleles (0.002%); highest among the groups gnomAD compares: Non-Finnish European, 0.0022%; no homozygotes.

Submissions (8):

Labcorp Genetics (formerly Invitae), Labcorp
Classification: Uncertain significance for Familial adenomatous polyposis 1. Last evaluated: 2025-12-30. Review status: criteria provided, single submitter. Criteria: Invitae Variant Classification Sherloc (09022015). Collection method: clinical testing. Allele origin: germline.
Comment: This sequence change replaces glycine, which is neutral and non-polar, with alanine, which is neutral and non-polar, at codon 635 of the APC protein (p.Gly635Ala). This variant is present in population databases (rs730881239, gnomAD 0.002%). This variant has not been reported in the literature in individuals affected with APC-related conditions. ClinVar contains an entry for this variant (Variation ID: 181791). Invitae Evidence Modeling of protein sequence and biophysical properties (such as structural, functional, and spatial information, amino acid conservation, physicochemical variation, residue mobility, and thermodynamic stability) indicates that this missense variant is not expected to disrupt APC protein function with a negative predictive value of 95%. In summary, the available evidence is currently insufficient to determine the role of this variant in disease. Therefore, it has been classified as a Variant of Uncertain Significance.

Color Diagnostics, LLC DBA Color Health
Classification: Likely benign for Hereditary cancer-predisposing syndrome. Last evaluated: 2025-09-11. Review status: criteria provided, single submitter. Criteria: ACMG Guidelines, 2015. Collection method: clinical testing. Allele origin: germline.

All of Us Research Program, National Institutes of Health
Classification: Uncertain significance for Classic or attenuated familial adenomatous polyposis. Last evaluated: 2024-09-23. Review status: criteria provided, single submitter. Criteria: ACMG Guidelines, 2015. Collection method: clinical testing. Allele origin: germline. Inheritance: Autosomal dominant inheritance. Observed: 9 variant alleles, 9 heterozygotes.
Comment: This missense variant replaces glycine with alanine at codon 635 of the APC protein. Computational prediction suggests that this variant may not impact protein structure and function (internally defined REVEL score threshold <= 0.5, PMID: 27666373). Splice site prediction tools suggest that this variant may not impact RNA splicing. To our knowledge, functional studies have not been reported for this variant. This variant has been reported in individuals affected with breast cancer (PMID: 28840378). This variant has been identified in 2/282734 chromosomes in the general population by the Genome Aggregation Database (gnomAD). The available evidence is insufficient to determine the role of this variant in disease conclusively. Therefore, this variant is classified as a Variant of Uncertain Significance.

This study involves interpretation of variants in research participants for the purpose of population health screening. Participant phenotype was not available at the time of variant classification. Additional details can be found in publication PMID: 35346344, PMCID: PMC8962531

Ambry Genetics
Classification: Likely benign for Hereditary cancer-predisposing syndrome. Last evaluated: 2023-10-16. Review status: criteria provided, single submitter. Criteria: Ambry Variant Classification Scheme 2023. Collection method: clinical testing. Allele origin: germline.

Sema4
Classification: Uncertain significance for Hereditary cancer-predisposing syndrome. Last evaluated: 2022-02-12. Review status: criteria provided, single submitter. Criteria: Sema4 Curation Guidelines. Collection method: curation. Allele origin: germline.
Comment: The APC c.1904G>C (p.G635A) variant has not been reported in the literature to our knowledge. It was observed in 2/129084 chromosomes of the Non-Finnish European subpopulation in the large and broad cohorts of the Genome Aggregation Database (PMID: 32461654). This variant has been reported in ClinVar (Variation ID 181791). Functional studies have not been performed, and in silico predictions of the variant's effect on protein function are inconclusive. The evidence is insufficient to meet ACMG/AMP criteria for classifying the variant as benign or pathogenic. Thus, the clinical significance of this variant is currently uncertain.

GeneDx
Classification: Uncertain significance. Last evaluated: 2019-07-11. Review status: criteria provided, single submitter. Criteria: GeneDx Variant Classification Process June 2021. Collection method: clinical testing. Allele origin: germline. Affected: yes.
Comment: Not observed at a significant frequency in large population cohorts (Lek et al., 2016); In silico analysis, which includes protein predictors and evolutionary conservation, supports a deleterious effect; Has not been previously published as pathogenic or benign to our knowledge

Laboratory for Molecular Medicine, Mass General Brigham Personalized Medicine
Classification: Uncertain significance. Last evaluated: 2016-11-25. Review status: criteria provided, single submitter. Criteria: LMM Criteria. Collection method: clinical testing. Allele origin: germline. Observed: 1 variant allele.
Comment: The p.Gly635Ala variant in APC has not been previously reported in individuals w ith colorectal cancer and was absent from large population studies. Computationa l prediction tools and conservation analysis do not provide strong support for o r against an impact to the protein. In summary, the clinical significance of the p.Gly635Ala variant is uncertain.

Department of Pathology and Laboratory Medicine, Sinai Health System
Classification: Uncertain significance for Carcinoma of colon. Review status: no assertion criteria provided. Collection method: clinical testing. Allele origin: unknown. Affected: yes. Study: The Canadian Open Genetics Repository (COGR). Not counted in ClinVar's aggregate classification.
Comment: The p.Gly635Ala variant has not been previously identified in the literature. It is highly conserved in mammals and other species, but the variant amino acid Ala (Alanine) is present in lower organisms such as fruitfly and c. elegans, decreasing the likelihood that this variant has a functional consequence. In addition, in silico or computational methods (PolyPhen2, SIFT, AlignGVGD) provide inconsistent predictions regarding the impact to the protein and this information is not very predictive of pathogenicity. In summary, based on the above information, the clinical significance of this variant cannot be determined with certainty at this time. Therefore this variant is a variant of unknown significance.

Literature cited by the submitters: PubMed 28840378 (cited by All of Us Research Program, National Institutes of Health); PubMed 31422818 (cited by Ambry Genetics).

NM_000038.6(APC):c.1904G>C (p.Gly635Ala)

Gene: APC (APC regulator of Wnt signaling pathway; plus strand). Cytogenetic location: 5q22.2.
Variant type: single nucleotide variant.
Coding change: c.1904G>C on transcript NM_000038.6 (MANE Select); coding-DNA position 1904, G replaced by C.
Protein change: p.Gly635Ala; replaces glycine 635 with alanine.
Molecular consequence: missense variant.
Genome position (GRCh38, 1-based): chr5:112,835,111, G>C. VCF-style: chr5-112835111-G-C. GRCh37 (hg19) VCF-style: chr5-112170808-G-C.
Other names: p.G635A:GGA>GCA; c.1904G>C, p.Gly635Ala (NM_001127510.3, NM_001354895.2); c.1850G>C, p.Gly617Ala (NM_001127511.3); c.1958G>C, p.Gly653Ala (NM_001354896.2); c.1934G>C, p.Gly645Ala (NM_001354897.2); c.1829G>C, p.Gly610Ala (NM_001354898.2); c.1820G>C, p.Gly607Ala (NM_001354899.2); c.1781G>C, p.Gly594Ala (NM_001354900.2); and 6 more; short protein forms G617A, G635A, G509A, G594A, G610A, G475A, G576A, G645A.
Identifiers: ClinVar variation 181791 (VCV000181791.29), dbSNP rs730881239, ClinGen allele CA006287.